The following is an entry in ClinVar:

ClinVar aggregate classification (germline): Likely benign. Review status: criteria provided, multiple submitters, no conflicts (2 of 4 stars). 2 submissions from 2 submitters: Likely benign (2). Last evaluated 2025-02-12.

gnomAD v4.1: 8 of 1,547,010 alleles (0.00052%); highest among the groups gnomAD compares: Non-Finnish European, 0.00061%; no homozygotes.

Submissions (2):

Mayo Clinic Laboratories, Mayo Clinic
Classification: Likely benign. Last evaluated: 2025-02-12. Review status: criteria provided, single submitter. Criteria: ACMG Guidelines, 2015. Collection method: clinical testing. Allele origin: germline. Observed: 1 variant allele.
Comment: BP4, BP7

Labcorp Genetics (formerly Invitae), Labcorp
Classification: Likely benign. Last evaluated: 2023-05-05. Review status: criteria provided, single submitter. Criteria: Invitae Variant Classification Sherloc (09022015). Collection method: clinical testing. Allele origin: germline.

NM_001367624.2(ZNF469):c.9855C>T (p.Ala3285=)

Gene: ZNF469 (zinc finger protein 469; plus strand). Cytogenetic location: 16q24.2.
Variant type: single nucleotide variant.
Coding change: c.9855C>T on transcript NM_001367624.2 (MANE Select); coding-DNA position 9855, C replaced by T.
Protein change: p.Ala3285=; no amino-acid change (alanine 3285 retained).
Molecular consequence: synonymous variant.
Genome position (GRCh38, 1-based): chr16:88,437,325, C>T. VCF-style: chr16-88437325-C-T. GRCh37 (hg19) VCF-style: chr16-88503733-C-T.
Other names: p.Ala3285=.
Identifiers: ClinVar variation 2877445 (VCV002877445.4), dbSNP rs2507604560, ClinGen allele CA497358463.